The following is an entry in ClinVar:

ClinVar aggregate classification (germline): Uncertain significance (1 of 4 stars; one submission).

Submission:

Labcorp Genetics (formerly Invitae), Labcorp
Classification: Uncertain significance. Last evaluated: 2022-07-11. Review status: criteria provided, single submitter. Criteria: Invitae Variant Classification Sherloc (09022015). Collection method: clinical testing. Allele origin: germline.
Comment: This sequence change replaces phenylalanine, which is neutral and non-polar, with tyrosine, which is neutral and polar, at codon 628 of the INPPL1 protein (p.Phe628Tyr). In summary, the available evidence is currently insufficient to determine the role of this variant in disease. Therefore, it has been classified as a Variant of Uncertain Significance. Algorithms developed to predict the effect of missense changes on protein structure and function are either unavailable or do not agree on the potential impact of this missense change (SIFT: "Tolerated"; PolyPhen-2: "Possibly Damaging"; Align-GVGD: "Class C0"). This variant has not been reported in the literature in individuals affected with INPPL1-related conditions. This variant is not present in population databases (gnomAD no frequency).

NM_001567.4(INPPL1):c.1883T>A (p.Phe628Tyr)

Gene: INPPL1 (inositol polyphosphate phosphatase like 1; plus strand). Cytogenetic location: 11q13.4.
Variant type: single nucleotide variant.
Coding change: c.1883T>A on transcript NM_001567.4 (MANE Select); coding-DNA position 1883, T replaced by A.
Protein change: p.Phe628Tyr; replaces phenylalanine 628 with tyrosine.
Molecular consequence: missense variant.
Genome position (GRCh38, 1-based): chr11:72,232,906, T>A. VCF-style: chr11-72232906-T-A. GRCh37 (hg19) VCF-style: chr11-71943950-T-A.
Other names: short protein forms F628Y.
Identifiers: ClinVar variation 1976814 (VCV001976814.5), dbSNP rs2539219547, ClinGen allele CA381730380.